The following is an entry in ClinVar:

ClinVar aggregate classification (germline): Benign. Review status: criteria provided, multiple submitters, no conflicts (2 of 4 stars). 5 submissions from 5 submitters: Benign (4). 1 of the submissions does not count toward it. Last evaluated 2026-01-15.

Conditions:
EEF2-related disorder. Also called: EEF2-related condition.

Allele frequency attached by ClinVar (database versions not stated): gnomAD exomes 0.00187 and 0.00497; ExAC 0.00831; gnomAD 0.02082; 1000 Genomes Project 0.02256; TOPMed 0.02275; ESP Exome Variant Server 0.02378; 1000 Genomes Project 30x 0.02467.
gnomAD v4.1: 5,888 of 1,603,144 alleles (0.37%); highest among the groups gnomAD compares: African/African-American, 6.9%; 205 homozygotes.

Submissions (5):

Labcorp Genetics (formerly Invitae), Labcorp
Classification: Benign. Last evaluated: 2026-01-15. Review status: criteria provided, single submitter. Criteria: Invitae Variant Classification Sherloc (09022015). Collection method: clinical testing. Allele origin: germline.

Athena Diagnostics
Classification: Benign. Last evaluated: 2024-01-30. Review status: criteria provided, single submitter. Criteria: Athena Diagnostics Criteria. Collection method: clinical testing. Allele origin: unknown.

GeneDx
Classification: Benign. Last evaluated: 2021-05-04. Review status: criteria provided, single submitter. Criteria: GeneDx Variant Classification Process June 2021. Collection method: clinical testing. Allele origin: germline. Affected: yes.

Breakthrough Genomics
Classification: Benign. Review status: criteria provided, single submitter. Criteria: ACMG Guidelines, 2015. Collection method: not provided. Allele origin: germline. Inheritance: Autosomal dominant inheritance. Affected: yes.

PreventionGenetics, part of Exact Sciences
Classification: Benign for EEF2-related condition. Last evaluated: 2019-06-10. Review status: no assertion criteria provided. Collection method: clinical testing. Allele origin: germline. Not counted in ClinVar's aggregate classification.
Comment: This variant is classified as benign based on ACMG/AMP sequence variant interpretation guidelines (Richards et al. 2015 PMID: 25741868, with internal and published modifications).

NM_001961.4(EEF2):c.2424G>A (p.Ala808=)

Gene: EEF2 (eukaryotic translation elongation factor 2; minus strand). Cytogenetic location: 19p13.3.
Variant type: single nucleotide variant.
Coding change: c.2424G>A on transcript NM_001961.4 (MANE Select); coding-DNA position 2424, G replaced by A.
Protein change: p.Ala808=; no amino-acid change (alanine 808 retained).
Molecular consequence: synonymous variant.
Genome position (GRCh38, 1-based): chr19:3,976,707, C>T on the plus strand (G>A on the coding strand, the complement: EEF2 is on the minus strand). VCF-style: chr19-3976707-C-T. GRCh37 (hg19) VCF-style: chr19-3976705-C-T.
Identifiers: ClinVar variation 791348 (VCV000791348.15), dbSNP rs2230565, ClinGen allele CA9088522.